The following is an entry in ClinVar:

ClinVar aggregate classification (germline): Uncertain significance (1 of 4 stars; one submission).

Allele frequency attached by ClinVar (database versions not stated): gnomAD exomes below 0.00001.
gnomAD v4.1: 2 of 1,611,844 alleles (0.00012%); highest among the groups gnomAD compares: South Asian, 0.0011%; no homozygotes.

Submission:

Labcorp Genetics (formerly Invitae), Labcorp
Classification: Uncertain significance. Last evaluated: 2025-09-15. Review status: criteria provided, single submitter. Criteria: Invitae Variant Classification Sherloc (09022015). Collection method: clinical testing. Allele origin: germline.
Comment: This sequence change affects an acceptor splice site in intron 6 of the TRAP1 gene. It is expected to disrupt RNA splicing. Variants that disrupt the donor or acceptor splice site typically lead to a loss of protein function (PMID: 16199547), however the current clinical and genetic evidence is not sufficient to establish whether loss-of-function variants in TRAP1 cause disease. This variant is not present in population databases (gnomAD no frequency). This variant has not been reported in the literature in individuals affected with TRAP1-related conditions. ClinVar contains an entry for this variant (Variation ID: 2100146). Algorithms developed to predict the effect of sequence changes on RNA splicing suggest that this variant may disrupt the consensus splice site. In summary, the available evidence is currently insufficient to determine the role of this variant in disease. Therefore, it has been classified as a Variant of Uncertain Significance.

Literature cited by the submitters: PubMed 16199547.

NM_016292.3(TRAP1):c.705-2A>G

Gene: TRAP1 (TNF receptor associated protein 1; minus strand). Cytogenetic location: 16p13.3.
Variant type: single nucleotide variant.
Coding change: c.705-2A>G on transcript NM_016292.3 (MANE Select); the canonical splice acceptor site of the intron before coding-DNA position 705, A replaced by G.
Molecular consequence: splice acceptor variant.
Genome position (GRCh38, 1-based): chr16:3,676,147, T>C on the plus strand (A>G on the coding strand, the complement: TRAP1 is on the minus strand). VCF-style: chr16-3676147-T-C. GRCh37 (hg19) VCF-style: chr16-3726148-T-C.
Other names: c.546-2A>G (NM_001272049.2).
Identifiers: ClinVar variation 2100146 (VCV002100146.4), dbSNP rs2548312503, ClinGen allele CA394570375.